The following is an entry in ClinVar:

NM_014467.3(SRPX2):c.1359G>T (p.Glu453Asp)

Gene: SRPX2 (sushi repeat containing protein X-linked 2; plus strand). Cytogenetic location: Xq22.1.
Variant type: single nucleotide variant.
Coding change: c.1359G>T on transcript NM_014467.3 (MANE Select); coding-DNA position 1359, G replaced by T.
Protein change: p.Glu453Asp; replaces glutamic acid 453 with aspartic acid.
Molecular consequence: missense variant.
Genome position (GRCh38, 1-based): chrX:100,670,948, G>T. VCF-style: chrX-100670948-G-T. GRCh37 (hg19) VCF-style: chrX-99925945-G-T.
Other names: short protein forms E453D.
Identifiers: ClinVar variation 3768921 (VCV003768921.1).

ClinVar aggregate classification (germline): Uncertain significance (1 of 4 stars; one submission).

gnomAD v4.1: 2 of 1,211,938 alleles (0.00017%); highest among the groups gnomAD compares: Admixed American, 0.0043%; no homozygotes.

Submission:

Women's Health and Genetics/Laboratory Corporation of America, LabCorp
Classification: Uncertain significance. Last evaluated: 2025-02-20. Review status: criteria provided, single submitter. Criteria: LabCorp Variant Classification Summary - May 2015. Collection method: clinical testing. Allele origin: germline.
Comment: Variant summary: SRPX2 c.1359G>T (p.Glu453Asp) results in a conservative amino acid change in the encoded protein sequence. Three of five in-silico tools predict a damaging effect of the variant on protein function. The variant allele was found at a frequency of 1.1e-05 in 182765 control chromosomes. The available data on variant occurrences in the general population are insufficient to allow any conclusion about variant significance. To our knowledge, no occurrence of c.1359G>T in individuals affected with Rolandic Epilepsy With Mental Retardation And Speech Dyspraxia, X-Linked and no experimental evidence demonstrating its impact on protein function have been reported. No submitters have cited clinical-significance assessments for this variant to ClinVar. Based on the evidence outlined above, the variant was classified as uncertain significance.